The following is an entry in ClinVar:

NM_006940.6(SOX5):c.1343-7T>A

Gene: SOX5 (SRY-box transcription factor 5; minus strand). Cytogenetic location: 12p12.1.
Variant type: single nucleotide variant.
Coding change: c.1343-7T>A on transcript NM_006940.6 (MANE Select); 7 bases into the intron before coding-DNA position 1343, T replaced by A.
Molecular consequence: intron variant.
Genome position (GRCh38, 1-based): chr12:23,563,410, A>T on the plus strand (T>A on the coding strand, the complement: SOX5 is on the minus strand). VCF-style: chr12-23563410-A-T. GRCh37 (hg19) VCF-style: chr12-23716344-A-T.
Other names: c.1304-7T>A (NM_152989.5); c.1126-16986T>A (NM_001261414.3); c.1313-7T>A (NM_001261415.3); c.1238-7T>A (NM_001330785.2); c.185-7T>A (NM_178010.4).
Identifiers: ClinVar variation 4540023 (VCV004540023.1).
Genomic context (GRCh38, chr12:23,563,410, plus strand): 5'-TTTGCCGAGCTTCTTGGATTGCCTTGGTGACAGCATCATGGTCATTTAAGTAACCTGAAC[A>T]TGAGACAGATCAAAGGATATCTTTTGTATAAAAGCATGTCTAGGCTAGCGTTTAACCATA-3'

ClinVar aggregate classification (germline): Uncertain significance (1 of 4 stars; one submission).

gnomAD v4.1: 1 of 1,612,994 alleles (0.000062%); highest among the groups gnomAD compares: Non-Finnish European, 0.000085%; no homozygotes.

Submission:

GeneDx
Classification: Uncertain significance. Last evaluated: 2025-06-25. Review status: criteria provided, single submitter. Criteria: GeneDx Variant Classification Process June 2021. Collection method: clinical testing. Allele origin: germline. Affected: yes.
Comment: Not observed at significant frequency in large population cohorts (gnomAD); In silico analysis supports a deleterious effect on splicing; Reported as de novo in a patient with autism spectrum disorder in published literature; This variant is associated with the following publications: (PMID: 35982160)